The following is an entry in ClinVar:

NM_000942.5(PPIB):c.-10C>A

Gene: PPIB (peptidylprolyl isomerase B; minus strand). Cytogenetic location: 15q22.31.
Variant type: single nucleotide variant.
Coding change: c.-10C>A on transcript NM_000942.5 (MANE Select); 10 bases upstream of the start codon, C replaced by A.
Molecular consequence: 5 prime UTR variant.
Genome position (GRCh38, 1-based): chr15:64,162,996, G>T on the plus strand (C>A on the coding strand, the complement: PPIB is on the minus strand). VCF-style: chr15-64162996-G-T. GRCh37 (hg19) VCF-style: chr15-64455195-G-T.
Identifiers: ClinVar variation 4986860 (VCV004986860.1).

ClinVar aggregate classification (germline): Likely benign (1 of 4 stars; one submission).

Conditions:
PPIB-related disorder. Also called: PPIB-related condition.

gnomAD v4.1: 47 of 1,612,264 alleles (0.0029%); highest among the groups gnomAD compares: African/African-American, 0.047%; 1 homozygote.

Submission:

PreventionGenetics, part of Exact Sciences
Classification: Likely benign for PPIB-related condition. Last evaluated: 2025-05-16. Review status: criteria provided, single submitter. Criteria: ACMG Guidelines, 2015. Collection method: clinical testing. Allele origin: germline.
Comment: This variant is classified as likely benign based on ACMG/AMP sequence variant interpretation guidelines (Richards et al. 2015 PMID: 25741868, with internal and published modifications).